The following is an entry in ClinVar:

NM_030665.4(RAI1):c.1543G>T (p.Ala515Ser)

Gene: RAI1 (retinoic acid induced 1; plus strand). Cytogenetic location: 17p11.2.
Variant type: single nucleotide variant.
Coding change: c.1543G>T on transcript NM_030665.4 (MANE Select); coding-DNA position 1543, G replaced by T.
Protein change: p.Ala515Ser; replaces alanine 515 with serine.
Molecular consequence: missense variant.
Genome position (GRCh38, 1-based): chr17:17,794,491, G>T. VCF-style: chr17-17794491-G-T. GRCh37 (hg19) VCF-style: chr17-17697805-G-T.
Other names: short protein forms A515S.
Identifiers: ClinVar variation 2005016 (VCV002005016.4), dbSNP rs1302017285, ClinGen allele CA398548573.
Genomic context (GRCh38, chr17:17,794,491, plus strand): 5'-ACACCGCTGTCAGAGCCGCCGAGCAGCACGCCACAGTCCACGCATGCGGAGCCGCAGGAG[G>T]CCGACTACCTGAGCGGCTCCGAGGACCCACTGGAGCGCAGCTTCCTCTACTGCAACCAGG-3'
Protein context (NP_109590.3, residues 505-525): PQSTHAEPQE[Ala515Ser]DYLSGSEDPL

ClinVar aggregate classification (germline): Uncertain significance (1 of 4 stars; one submission).

gnomAD v4.1: 1 of 1,611,982 alleles (0.000062%); highest among the groups gnomAD compares: Admixed American, 0.0017%; no homozygotes.

Submission:

Labcorp Genetics (formerly Invitae), Labcorp
Classification: Uncertain significance. Last evaluated: 2022-07-16. Review status: criteria provided, single submitter. Criteria: Invitae Variant Classification Sherloc (09022015). Collection method: clinical testing. Allele origin: germline.
Comment: This sequence change replaces alanine, which is neutral and non-polar, with serine, which is neutral and polar, at codon 515 of the RAI1 protein (p.Ala515Ser). This variant is present in population databases (no rsID available, gnomAD 0.003%). This variant has not been reported in the literature in individuals affected with RAI1-related conditions. Algorithms developed to predict the effect of missense changes on protein structure and function (SIFT, PolyPhen-2, Align-GVGD) all suggest that this variant is likely to be tolerated. In summary, the available evidence is currently insufficient to determine the role of this variant in disease. Therefore, it has been classified as a Variant of Uncertain Significance.